The following is an entry in ClinVar:

ClinVar aggregate classification (germline): Uncertain significance (1 of 4 stars; one submission).

Conditions:
Cardiovascular phenotype. Identifiers: MedGen CN230736.

Allele frequency attached by ClinVar (database versions not stated): TOPMed 0.00001 and 0.00002.
gnomAD v4.1: 7 of 1,595,290 alleles (0.00044%); highest among the groups gnomAD compares: Non-Finnish European, 0.00051%; no homozygotes.

Submission:

Ambry Genetics
Classification: Uncertain significance for Cardiovascular phenotype. Last evaluated: 2024-04-04. Review status: criteria provided, single submitter. Criteria: Ambry Variant Classification Scheme 2023. Collection method: clinical testing. Allele origin: germline.
Comment: The p.N4110K variant (also known as c.12330C>A), located in coding exon 29 of the APOB gene, results from a C to A substitution at nucleotide position 12330. The asparagine at codon 4110 is replaced by lysine, an amino acid with similar properties. This amino acid position is conserved. In addition, this alteration is predicted to be tolerated by in silico analysis. Based on the available evidence, the clinical significance of this variant remains unclear.

NM_000384.3(APOB):c.12330C>A (p.Asn4110Lys)

Gene: APOB (apolipoprotein B; minus strand). Cytogenetic location: 2p24.1.
Variant type: single nucleotide variant.
Coding change: c.12330C>A on transcript NM_000384.3 (MANE Select); coding-DNA position 12330, C replaced by A.
Protein change: p.Asn4110Lys; replaces asparagine 4110 with lysine.
Molecular consequence: missense variant.
Genome position (GRCh38, 1-based): chr2:21,003,092, G>T on the plus strand (C>A on the coding strand, the complement: APOB is on the minus strand). VCF-style: chr2-21003092-G-T. GRCh37 (hg19) VCF-style: chr2-21225964-G-T.
Other names: short protein forms N4110K.
Identifiers: ClinVar variation 3307548 (VCV003307548.1), dbSNP rs1446183854.